The following is an entry in ClinVar:

NM_021831.6(AGBL5):c.1246G>T (p.Ala416Ser)

Gene: AGBL5 (AGBL carboxypeptidase 5; plus strand). Cytogenetic location: 2p23.3.
Variant type: single nucleotide variant.
Coding change: c.1246G>T on transcript NM_021831.6 (MANE Select); coding-DNA position 1246, G replaced by T.
Protein change: p.Ala416Ser; replaces alanine 416 with serine.
Molecular consequence: missense variant. On other transcripts: non-coding transcript variant (2).
Genome position (GRCh38, 1-based): chr2:27,056,019, G>T. VCF-style: chr2-27056019-G-T. GRCh37 (hg19) VCF-style: chr2-27278887-G-T.
Other names: c.1246G>T, p.Ala416Ser (NM_001035507.3); short protein forms A416S.
Identifiers: ClinVar variation 1002165 (VCV001002165.6), dbSNP rs1668412481, ClinGen allele CA346180435.

ClinVar aggregate classification (germline): Uncertain significance (1 of 4 stars; one submission).

Allele frequency attached by ClinVar (database versions not stated): gnomAD exomes below 0.00001; TOPMed below 0.00001.
gnomAD v4.1: 3 of 1,614,252 alleles (0.00019%); highest among the groups gnomAD compares: Non-Finnish European, 0.00025%; no homozygotes.

Submission:

Labcorp Genetics (formerly Invitae), Labcorp
Classification: Uncertain significance. Last evaluated: 2021-08-20. Review status: criteria provided, single submitter. Criteria: Invitae Variant Classification Sherloc (09022015). Collection method: clinical testing. Allele origin: germline.
Comment: This sequence change replaces alanine with serine at codon 416 of the AGBL5 protein (p.Ala416Ser). The alanine residue is moderately conserved and there is a moderate physicochemical difference between alanine and serine. This variant is not present in population databases (ExAC no frequency). This variant has not been reported in the literature in individuals affected with AGBL5-related conditions. Algorithms developed to predict the effect of missense changes on protein structure and function (SIFT, PolyPhen-2, Align-GVGD) all suggest that this variant is likely to be tolerated. In summary, the available evidence is currently insufficient to determine the role of this variant in disease. Therefore, it has been classified as a Variant of Uncertain Significance.